The following is an entry in ClinVar:

ClinVar aggregate classification (germline): Benign/Likely benign. Review status: criteria provided, multiple submitters, no conflicts (2 of 4 stars). 6 submissions from 6 submitters: Benign (1); Likely benign (3). 2 of the submissions do not count toward it. Last evaluated 2026-04-08.

Conditions:
MHC class I deficiency. Identifiers: Orphanet 34592, MedGen C6024714, MONDO:0011476.

Allele frequency attached by ClinVar (database versions not stated): 1000 Genomes Project 0.00140; 1000 Genomes Project 30x 0.00156; gnomAD 0.00282 and 0.00288; gnomAD exomes 0.00303 and 0.00399; TOPMed 0.00308; ExAC 0.00344; ESP Exome Variant Server 0.00354.
gnomAD v4.1: 4,933 of 1,610,784 alleles (0.31%); highest among the groups gnomAD compares: Middle Eastern, 1.3%; 24 homozygotes.

Submissions (27):

Women's Health and Genetics/Laboratory Corporation of America, LabCorp
Classification: Benign. Last evaluated: 2026-04-08. Review status: criteria provided, single submitter. Criteria: LabCorp Variant Classification Summary - May 2015. Collection method: clinical testing. Allele origin: germline.
Comment: Variant summary: TAP1 c.1051-3C>T alters a nucleotide located close to a canonical splice site and therefore could affect mRNA splicing, leading to a significantly altered protein sequence. Computational tools predict a significant impact on normal splicing: Two predict the variant weakens a canonical 3' acceptor site. One predicts the variant abolishes this site. One predicts the variant no significant impact on splicing. However, these predictions have yet to be confirmed by functional studies. The variant allele was found at a frequency of 0.004 in 248714 control chromosomes in the gnomAD database, including 11 homozygotes. The observed variant frequency exceeds the estimated maximal expected allele frequency for disease-causing variants in TAP1. To our knowledge, no occurrence of c.1051-3C>T in individuals affected with TAP1-related conditions and no experimental evidence demonstrating its impact on protein function have been reported. ClinVar contains an entry for this variant (Variation ID: 534731). Based on the evidence outlined above, the variant was classified as benign.

Labcorp Genetics (formerly Invitae), Labcorp
Classification: Likely benign for MHC class I deficiency 1. Last evaluated: 2026-01-25. Review status: criteria provided, single submitter. Criteria: Invitae Variant Classification Sherloc (09022015). Collection method: clinical testing. Allele origin: germline.

CeGaT Center for Human Genetics Tuebingen
Classification: Likely benign. Last evaluated: 2025-08-01. Review status: criteria provided, single submitter. Criteria: CeGaT Center For Human Genetics Tuebingen Variant Classification Criteria Version 2. Collection method: clinical testing. Allele origin: germline. Affected: yes. Observed: 7 variant alleles.
Comment: TAP1: BP4, BS2

Blueprint Genetics
Classification: Likely benign. Last evaluated: 2024-11-26. Review status: criteria provided, single submitter. Criteria: ACMG Guidelines, 2015. Collection method: clinical testing. Allele origin: germline.

Clinical Genetics DNA and cytogenetics Diagnostics Lab, Erasmus MC, Erasmus Medical Center
Classification: Likely benign. Review status: no assertion criteria provided. Collection method: clinical testing. Allele origin: germline. Affected: yes. Study: VKGL Data-share Consensus. Not counted in ClinVar's aggregate classification.

Dr. Peter K. Rogan Lab, Western University
No classification provided (evidence only). Condition: Clear cell carcinoma of kidney. Review status: no classification provided. Collection method: in vitro. Allele origin: not applicable. Functional consequence: skipped exon, retained intron. Not counted in ClinVar's aggregate classification.

Dr. Peter K. Rogan Lab, Western University
No classification provided (evidence only). Condition: Lung cancer. Review status: no classification provided. Collection method: in vitro. Allele origin: not applicable. Functional consequence: retained intron. Not counted in ClinVar's aggregate classification.

Dr. Peter K. Rogan Lab, Western University
No classification provided (evidence only). Condition: Lung cancer. Review status: no classification provided. Collection method: in vitro. Allele origin: not applicable. Functional consequence: retained intron. Not counted in ClinVar's aggregate classification.

Dr. Peter K. Rogan Lab, Western University
No classification provided (evidence only). Condition: Lung cancer. Review status: no classification provided. Collection method: in vitro. Allele origin: not applicable. Functional consequence: skipped exon, retained intron. Not counted in ClinVar's aggregate classification.

Dr. Peter K. Rogan Lab, Western University
No classification provided (evidence only). Condition: Melanoma. Review status: no classification provided. Collection method: in vitro. Allele origin: not applicable. Functional consequence: retained intron. Not counted in ClinVar's aggregate classification.

Dr. Peter K. Rogan Lab, Western University
No classification provided (evidence only). Condition: Melanoma. Review status: no classification provided. Collection method: in vitro. Allele origin: not applicable. Functional consequence: retained intron. Not counted in ClinVar's aggregate classification.

Dr. Peter K. Rogan Lab, Western University
No classification provided (evidence only). Condition: Familial cancer of breast. Review status: no classification provided. Collection method: in vitro. Allele origin: not applicable. Functional consequence: skipped exon, retained intron. Not counted in ClinVar's aggregate classification.

Dr. Peter K. Rogan Lab, Western University
No classification provided (evidence only). Condition: Acute myeloid leukemia. Review status: no classification provided. Collection method: in vitro. Allele origin: not applicable. Functional consequence: retained intron. Not counted in ClinVar's aggregate classification.

Dr. Peter K. Rogan Lab, Western University
No classification provided (evidence only). Condition: Cervical cancer. Review status: no classification provided. Collection method: in vitro. Allele origin: not applicable. Functional consequence: skipped exon, retained intron. Not counted in ClinVar's aggregate classification.

Dr. Peter K. Rogan Lab, Western University
No classification provided (evidence only). Condition: Cervical cancer. Review status: no classification provided. Collection method: in vitro. Allele origin: not applicable. Functional consequence: retained intron. Not counted in ClinVar's aggregate classification.

Dr. Peter K. Rogan Lab, Western University
No classification provided (evidence only). Condition: Cervical cancer. Review status: no classification provided. Collection method: in vitro. Allele origin: not applicable. Functional consequence: skipped exon, retained intron. Not counted in ClinVar's aggregate classification.

Dr. Peter K. Rogan Lab, Western University
No classification provided (evidence only). Condition: Sarcoma. Review status: no classification provided. Collection method: in vitro. Allele origin: not applicable. Functional consequence: retained intron. Not counted in ClinVar's aggregate classification.

Dr. Peter K. Rogan Lab, Western University
No classification provided (evidence only). Condition: Sarcoma. Review status: no classification provided. Collection method: in vitro. Allele origin: not applicable. Functional consequence: skipped exon, retained intron. Not counted in ClinVar's aggregate classification.

Dr. Peter K. Rogan Lab, Western University
No classification provided (evidence only). Condition: Sarcoma. Review status: no classification provided. Collection method: in vitro. Allele origin: not applicable. Functional consequence: skipped exon, retained intron. Not counted in ClinVar's aggregate classification.

Dr. Peter K. Rogan Lab, Western University
No classification provided (evidence only). Condition: Sarcoma. Review status: no classification provided. Collection method: in vitro. Allele origin: not applicable. Functional consequence: skipped exon. Not counted in ClinVar's aggregate classification.

Dr. Peter K. Rogan Lab, Western University
No classification provided (evidence only). Condition: Sarcoma. Review status: no classification provided. Collection method: in vitro. Allele origin: not applicable. Functional consequence: skipped exon, retained intron. Not counted in ClinVar's aggregate classification.

Dr. Peter K. Rogan Lab, Western University
No classification provided (evidence only). Condition: Ovarian serous cystadenocarcinoma. Review status: no classification provided. Collection method: in vitro. Allele origin: not applicable. Functional consequence: retained intron. Not counted in ClinVar's aggregate classification.

Dr. Peter K. Rogan Lab, Western University
No classification provided (evidence only). Condition: Gastric cancer. Review status: no classification provided. Collection method: in vitro. Allele origin: not applicable. Functional consequence: retained intron. Not counted in ClinVar's aggregate classification.

Dr. Peter K. Rogan Lab, Western University
No classification provided (evidence only). Condition: Uveal melanoma. Review status: no classification provided. Collection method: in vitro. Allele origin: not applicable. Functional consequence: skipped exon, retained intron. Not counted in ClinVar's aggregate classification.

Dr. Peter K. Rogan Lab, Western University
No classification provided (evidence only). Condition: Malignant tumor of esophagus. Review status: no classification provided. Collection method: in vitro. Allele origin: not applicable. Functional consequence: skipped exon, retained intron. Not counted in ClinVar's aggregate classification.

Dr. Peter K. Rogan Lab, Western University
No classification provided (evidence only). Condition: Nonpapillary renal cell carcinoma. Review status: no classification provided. Collection method: in vitro. Allele origin: not applicable. Functional consequence: skipped exon, retained intron. Not counted in ClinVar's aggregate classification.

Genome Diagnostics Laboratory, University Medical Center Utrecht
Classification: Likely benign. Review status: no assertion criteria provided. Collection method: clinical testing. Allele origin: germline. Affected: yes. Study: VKGL Data-share Consensus. Not counted in ClinVar's aggregate classification.

NM_000593.6(TAP1):c.1051-3C>T

Gene: TAP1 (transporter 1, ATP binding cassette subfamily B member; minus strand). Cytogenetic location: 6p21.32.
Variant type: single nucleotide variant.
Coding change: c.1051-3C>T on transcript NM_000593.6 (MANE Select); 3 bases into the intron before coding-DNA position 1051, C replaced by T.
Molecular consequence: intron variant.
Genome position (GRCh38, 1-based): chr6:32,850,520, G>A on the plus strand (C>T on the coding strand, the complement: TAP1 is on the minus strand). VCF-style: chr6-32850520-G-A. GRCh37 (hg19) VCF-style: chr6-32818297-G-A.
Other names: c.448-3C>T (NM_001292022.2).
Identifiers: ClinVar variation 534731 (VCV000534731.56), dbSNP rs56366814, ClinGen allele CA3746865.
Genomic context (GRCh38, chr6:32,850,520, plus strand): 5'-CCTCAATGGCCACCTGGCTGGACTTTGCCAGAGATTCCCGCACCTGCACTTCCAGCAACT[G>A]TGGATACATGGACAAGAGATGTCACACGGGTTGGCAAACCATCAGGGACACTAATACCTG-3'